The following is an entry in ClinVar:

NM_000136.3(FANCC):c.1155-2A>G

Genes: AOPEP (aminopeptidase O (putative); plus strand), FANCC (FA complementation group C; minus strand). Cytogenetic location: 9q22.32.
Variant type: single nucleotide variant.
Coding change: c.1155-2A>G on transcript NM_000136.3 (MANE Select); the canonical splice acceptor site of the intron before coding-DNA position 1155, A replaced by G.
Molecular consequence: splice acceptor variant.
Genome position (GRCh38, 1-based): chr9:95,111,639, T>C on the plus strand (A>G on the coding strand, the complement: FANCC is on the minus strand). VCF-style: chr9-95111639-T-C. GRCh37 (hg19) VCF-style: chr9-97873921-T-C.
Other names: c.1155-2A>G (NM_001243743.2, NM_001243744.2, NM_000136.2).
Identifiers: ClinVar variation 1476074 (VCV001476074.9), dbSNP rs1343170313, ClinGen allele CA374107590.

ClinVar aggregate classification (germline): Likely pathogenic. Review status: criteria provided, multiple submitters, no conflicts (2 of 4 stars). 2 submissions from 2 submitters: Likely pathogenic (2). Last evaluated 2024-02-29.

Conditions:
Fanconi anemia (FA). Also called: Fanconi's anemia. Identifiers: Orphanet 84, MedGen C0015625, MeSH D005199, MONDO:0019391.

Submissions (2):

Natera, Inc.
Classification: Likely pathogenic for Fanconi anemia. Last evaluated: 2024-02-29. Review status: criteria provided, single submitter. Criteria: Natera Variant Classification Schema (03/2026). Collection method: clinical testing. Allele origin: germline.
Comment: The c.1155-2A>G variant in FANCC is a canonical splice acceptor site variant predicted to affect pre-mRNA splicing, which may result in an abnormal transcript and altered protein product. This variant is expected to result in nonsense mediated decay, truncation, or a dysfunctional protein product. This variant is rare in the general population with a frequency below the threshold expected for the associated phenotype(s). Given the available evidence, this variant is classified as Likely Pathogenic.

Labcorp Genetics (formerly Invitae), Labcorp
Classification: Likely pathogenic for Fanconi anemia. Last evaluated: 2020-12-06. Review status: criteria provided, single submitter. Criteria: Invitae Variant Classification Sherloc (09022015). Collection method: clinical testing. Allele origin: germline.
Comment: This sequence change affects an acceptor splice site in intron 12 of the FANCC gene. It is expected to disrupt RNA splicing. Variants that disrupt the donor or acceptor splice site typically lead to a loss of protein function (PMID: 16199547), and loss-of-function variants in FANCC are known to be pathogenic (PMID: 17924555). This variant is not present in population databases (ExAC no frequency). Disruption of this splice site has been observed in individual(s) with clinical features of Fanconi anemia (PMID: 22778927). Algorithms developed to predict the effect of sequence changes on RNA splicing suggest that this variant may disrupt the consensus splice site, but this prediction has not been confirmed by published transcriptional studies. In summary, the currently available evidence indicates that the variant is pathogenic, but additional data are needed to prove that conclusively. Therefore, this variant has been classified as Likely Pathogenic.

Literature cited by the submitters: PubMed 16199547 (cited by Labcorp Genetics (formerly Invitae), Labcorp); PubMed 17924555 (cited by Labcorp Genetics (formerly Invitae), Labcorp); PubMed 22778927 (cited by Labcorp Genetics (formerly Invitae), Labcorp).